The following is an entry in ClinVar:

ClinVar aggregate classification (germline): Pathogenic. Review status: criteria provided, multiple submitters, no conflicts (2 of 4 stars). 2 submissions from 2 submitters: Pathogenic (2). Last evaluated 2023-10-16.

Conditions:
Pendred syndrome (PDS). Also called: Pendred's syndrome; Pendred Syndrome (PDS); DEAFNESS WITH GOITER; GOITER-DEAFNESS SYNDROME; HYPOTHYROIDISM, CONGENITAL, DUE TO DYSHORMONOGENESIS, 2B; THYROID DYSHORMONOGENESIS 2B. Identifiers: Orphanet 705, MedGen C0271829, MONDO:0010134, OMIM 274600.

Allele frequency attached by ClinVar (database versions not stated): gnomAD exomes below 0.00001.
gnomAD v4.1: 1 of 1,614,054 alleles (0.000062%); highest among the groups gnomAD compares: Non-Finnish European, 0.000085%; no homozygotes.

Submissions (2):

Labcorp Genetics (formerly Invitae), Labcorp
Classification: Pathogenic. Last evaluated: 2023-10-16. Review status: criteria provided, single submitter. Criteria: Invitae Variant Classification Sherloc (09022015). Collection method: clinical testing. Allele origin: germline.
Comment: This sequence change creates a premature translational stop signal (p.Gln235*) in the SLC26A4 gene. It is expected to result in an absent or disrupted protein product. Loss-of-function variants in SLC26A4 are known to be pathogenic (PMID: 16283880, 25394566, 26252218, 26445815). This variant is not present in population databases (gnomAD no frequency). This variant has not been reported in the literature in individuals affected with SLC26A4-related conditions. ClinVar contains an entry for this variant (Variation ID: 1065045). For these reasons, this variant has been classified as Pathogenic.

Department of Otolaryngology – Head & Neck Surgery, Cochlear Implant Center
Classification: Pathogenic for Pendred syndrome. Last evaluated: 2021-04-12. Review status: criteria provided, single submitter. Criteria: ClinGen HL ACMG Specifications v1. Collection method: clinical testing. Allele origin: germline. Affected: yes.
Comment: PVS1_Strong, PM2_Moderate, PM3_Supporting, PP4_Supporting

Literature cited by the submitters: PubMed 16283880 (cited by Labcorp Genetics (formerly Invitae), Labcorp); PubMed 25394566 (cited by Labcorp Genetics (formerly Invitae), Labcorp); PubMed 26252218 (cited by Labcorp Genetics (formerly Invitae), Labcorp); PubMed 26445815 (cited by Labcorp Genetics (formerly Invitae), Labcorp).

NM_000441.2(SLC26A4):c.703C>T (p.Gln235Ter)

Gene: SLC26A4 (solute carrier family 26 member 4; plus strand). Cytogenetic location: 7q22.3.
Variant type: single nucleotide variant.
Coding change: c.703C>T on transcript NM_000441.2 (MANE Select); coding-DNA position 703, C replaced by T.
Protein change: p.Gln235Ter; replaces glutamine 235 with a stop codon.
Molecular consequence: nonsense.
Genome position (GRCh38, 1-based): chr7:107,675,047, C>T. VCF-style: chr7-107675047-C-T. GRCh37 (hg19) VCF-style: chr7-107315492-C-T.
Other names: short protein forms Q235*.
Identifiers: ClinVar variation 1065045 (VCV001065045.8), dbSNP rs2129311961, ClinGen allele CA368831614.
Genomic context (GRCh38, chr7:107,675,047, plus strand): 5'-TTGGCAGATCCTTTGGTTGGTGGCTTCACAACAGCTGCTGCCTTCCAAGTGCTGGTCTCA[C>T]AGCTAAAGATTGTCCTCAATGTTTCAACCAAAAACTACAATGGAGTTCTCTCTATTATCT-3'